The following is an entry in ClinVar:

NM_000387.6(SLC25A20):c.125del (p.Pro42fs)

Gene: SLC25A20 (solute carrier family 25 member 20; minus strand). Cytogenetic location: 3p21.31.
Variant type: Deletion.
Coding change: c.125del on transcript NM_000387.6 (MANE Select); coding-DNA position 125, one base deleted (C; older notation c.125delC).
Protein change: p.Pro42fs; shifts the reading frame from proline 42.
Molecular consequence: frameshift variant.
Genome position (GRCh38, 1-based): chr3:48,892,053, G deleted on the plus strand (C on the coding strand, the reverse complement: SLC25A20 is on the minus strand); the first of 2 consecutive G bases (chr3:48,892,053-48,892,054); deleting either gives the same sequence. VCF-style (leftmost placement, unchanged base first): chr3-48892052-TG-T. GRCh37 (hg19) VCF-style: chr3-48929485-TG-T.
Other names: short protein forms P42fs.
Identifiers: ClinVar variation 2678874 (VCV002678874.5), dbSNP rs2470610426, ClinGen allele CA2567455341.

ClinVar aggregate classification (germline): Pathogenic/Likely pathogenic. Review status: criteria provided, multiple submitters, no conflicts (2 of 4 stars). 2 submissions from 2 submitters: Pathogenic (1); Likely pathogenic (1). Last evaluated 2024-01-29.

Conditions:
Carnitine acylcarnitine translocase deficiency (CACTD). Identifiers: Orphanet 159, MedGen C0342791, MONDO:0008918, OMIM 212138.

Submissions (2):

Baylor Genetics
Classification: Likely pathogenic for Carnitine acylcarnitine translocase deficiency. Last evaluated: 2024-01-29. Review status: criteria provided, single submitter. Criteria: ACMG Guidelines, 2015. Collection method: clinical testing. Allele origin: unknown.

Labcorp Genetics (formerly Invitae), Labcorp
Classification: Pathogenic for Carnitine acylcarnitine translocase deficiency. Last evaluated: 2023-07-16. Review status: criteria provided, single submitter. Criteria: Invitae Variant Classification Sherloc (09022015). Collection method: clinical testing. Allele origin: germline.
Comment: This sequence change creates a premature translational stop signal (p.Pro42Hisfs*87) in the SLC25A20 gene. It is expected to result in an absent or disrupted protein product. Loss-of-function variants in SLC25A20 are known to be pathogenic (PMID: 25614308). This variant is not present in population databases (gnomAD no frequency). This variant has not been reported in the literature in individuals affected with SLC25A20-related conditions. For these reasons, this variant has been classified as Pathogenic.

Literature cited by the submitters: PubMed 25614308 (cited by Labcorp Genetics (formerly Invitae), Labcorp).